The following is an entry in ClinVar:

ClinVar aggregate classification (germline): Uncertain significance (1 of 4 stars; one submission).

Conditions:
Hypertrophic cardiomyopathy 9. Also called: Familial hypertrophic cardiomyopathy 9. Identifiers: MedGen C1861065, MONDO:0013412, OMIM 613765.
Dilated cardiomyopathy 1G (CMD1G). Identifiers: Orphanet 154, MedGen C1858763, MONDO:0011400, OMIM 604145.

gnomAD v4.1: 13 of 1,613,932 alleles (0.00081%); highest among the groups gnomAD compares: Non-Finnish European, 0.00093%; no homozygotes.

Submission:

Clinical Genomics Laboratory, Washington University in St. Louis
Classification: Uncertain significance for Hypertrophic cardiomyopathy 9; Dilated cardiomyopathy 1G. Last evaluated: 2024-12-23. Review status: criteria provided, single submitter. Criteria: ACMG Guidelines, 2015. Collection method: clinical testing. Allele origin: germline.
Comment: The TTN c.105098G>A (p.Gly35033Glu) variant, to our knowledge, has not been reported in the medical literature. This variant is only observed on 3/248,946 alleles in the general population (gnomAD v.2.1.1), indicating it is not a common variant. Computational predictors suggest that the variant does not impact TTN function. Due to limited information, and based on ACMG/AMP guidelines for variant interpretation (Richards S et al., PMID: 25741868), the clinical significance of this variant is uncertain at this time.

NM_001267550.2(TTN):c.105098G>A (p.Gly35033Glu)

Genes: TTN-AS1 (TTN antisense RNA 1; plus strand), TTN (titin; minus strand). Cytogenetic location: 2q31.2.
Variant type: single nucleotide variant.
Coding change: c.105098G>A on transcript NM_001267550.2 (MANE Select); coding-DNA position 105098, G replaced by A.
Protein change: p.Gly35033Glu; replaces glycine 35033 with glutamic acid.
Molecular consequence: missense variant.
Genome position (GRCh38, 1-based): chr2:178,531,517, C>T on the plus strand (G>A on the coding strand, the complement: TTN is on the minus strand). VCF-style: chr2-178531517-C-T. GRCh37 (hg19) VCF-style: chr2-179396244-C-T.
Other names: c.100175G>A, p.Gly33392Glu (NM_001256850.1); c.77903G>A, p.Gly25968Glu (NM_003319.4); c.97394G>A, p.Gly32465Glu (NM_133378.4); c.78278G>A, p.Gly26093Glu (NM_133432.3); c.78479G>A, p.Gly26160Glu (NM_133437.4); short protein forms G25968E, G26093E, G26160E, G32465E, G33392E, G35033E.
Identifiers: ClinVar variation 3600477 (VCV003600477.1).
Genomic context (GRCh38, chr2:178,531,517, plus strand): 5'-AAAACAGATCTGGGGACCTCTTCATCTCTGCGTTGGGAAGCATAGGTGGTATAATCCCCT[C>T]CTGTCACGTCCAACGTTGCATAGTCAGAAGCTTCGCCCTTGTAGTTGGTGCACACAGCAC-3'
Protein context (NP_001254479.2, residues 35023-35043): ASDYATLDVT[Gly35033Glu]GDYTTYASQR